The following is an entry in ClinVar:

ClinVar aggregate classification (germline): Uncertain significance (1 of 4 stars; one submission).

Submission:

GeneDx
Classification: Uncertain significance. Last evaluated: 2019-05-10. Review status: criteria provided, single submitter. Criteria: GeneDx Variant Classification Process June 2021. Collection method: clinical testing. Allele origin: germline. Affected: yes.
Comment: Not observed in large population cohorts (Lek et al., 2016); In silico analysis, which includes protein predictors and evolutionary conservation, supports a deleterious effect; Has not been previously published as pathogenic or benign to our knowledge

NM_001291867.2(NHS):c.964C>G (p.Pro322Ala)

Gene: NHS (NHS actin remodeling regulator; plus strand). Cytogenetic location: Xp22.13.
Variant type: single nucleotide variant.
Coding change: c.964C>G on transcript NM_001291867.2 (MANE Select); coding-DNA position 964, C replaced by G.
Protein change: p.Pro322Ala; replaces proline 322 with alanine.
Molecular consequence: missense variant.
Genome position (GRCh38, 1-based): chrX:17,721,489, C>G. VCF-style: chrX-17721489-C-G. GRCh37 (hg19) VCF-style: chrX-17739609-C-G.
Other names: c.433C>G, p.Pro145Ala (NM_001136024.4); c.370C>G, p.Pro124Ala (NM_001291868.2); c.901C>G, p.Pro301Ala (NM_198270.4); short protein forms P124A, P145A, P301A, P322A.
Identifiers: ClinVar variation 1300609 (VCV001300609.2), dbSNP rs2147138235, ClinGen allele CA412348134.